The following is an entry in ClinVar:

NM_000836.4(GRIN2D):c.3587_3588delinsAA (p.Ser1196Lys)

Gene: GRIN2D (glutamate ionotropic receptor NMDA type subunit 2D; plus strand). Cytogenetic location: 19q13.33.
Variant type: Indel.
Coding change: c.3587_3588delinsAA on transcript NM_000836.4 (MANE Select); coding-DNA positions 3587 to 3588, GC replaced by AA.
Protein change: p.Ser1196Lys; replaces serine 1196 with lysine.
Molecular consequence: missense variant.
Genome position (GRCh38, 1-based): chr19:48,443,513-48,443,514, GC replaced by AA. VCF-style: chr19-48443513-GC-AA. GRCh37 (hg19) VCF-style: chr19-48946770-GC-AA.
Other names: short protein forms S1196K.
Identifiers: ClinVar variation 3690669 (VCV003690669.2).

ClinVar aggregate classification (germline): Uncertain significance (1 of 4 stars; one submission).

Submission:

Labcorp Genetics (formerly Invitae), Labcorp
Classification: Uncertain significance. Last evaluated: 2024-12-30. Review status: criteria provided, single submitter. Criteria: Invitae Variant Classification Sherloc (09022015). Collection method: clinical testing. Allele origin: germline.
Comment: This sequence change replaces serine, which is neutral and polar, with lysine, which is basic and polar, at codon 1196 of the GRIN2D protein (p.Ser1196Lys). Information on the frequency of this variant in the gnomAD database is not available, as this variant may be reported differently in the database. This variant has not been reported in the literature in individuals affected with GRIN2D-related conditions. Experimental studies and prediction algorithms are not available or were not evaluated, and the functional significance of this variant is currently unknown. In summary, the available evidence is currently insufficient to determine the role of this variant in disease. Therefore, it has been classified as a Variant of Uncertain Significance.